The following is an entry in ClinVar:

NM_000455.5(STK11):c.1120G>A (p.Glu374Lys)

Gene: STK11 (serine/threonine kinase 11; plus strand). Cytogenetic location: 19p13.3.
Variant type: single nucleotide variant.
Coding change: c.1120G>A on transcript NM_000455.5 (MANE Select); coding-DNA position 1120, G replaced by A.
Protein change: p.Glu374Lys; replaces glutamic acid 374 with lysine.
Molecular consequence: missense variant.
Genome position (GRCh38, 1-based): chr19:1,226,465, G>A. VCF-style: chr19-1226465-G-A. GRCh37 (hg19) VCF-style: chr19-1226464-G-A.
Other names: short protein forms E374K.
Identifiers: ClinVar variation 428789 (VCV000428789.20), dbSNP rs587782287, ClinGen allele CA402953158.

ClinVar aggregate classification (germline): Uncertain significance. Review status: criteria provided, multiple submitters, no conflicts (2 of 4 stars). 5 submissions from 5 submitters: Uncertain significance (5). Last evaluated 2024-12-26.

Conditions:
Peutz-Jeghers syndrome (PJS). Also called: Peutz-Jeghers polyposis; Periorificial lentiginosis syndrome; POLYPOSIS, HAMARTOMATOUS INTESTINAL; POLYPS-AND-SPOTS SYNDROME. Identifiers: Orphanet 2869, MedGen C0031269, MeSH D010580, MONDO:0008280, OMIM 175200.
Hereditary cancer-predisposing syndrome. Also called: Hereditary neoplastic syndrome; Tumor predisposition; Neoplastic Syndromes, Hereditary; Hereditary Cancer Syndrome. Identifiers: Orphanet 140162, MedGen C0027672, MeSH D009386, MONDO:0015356.

Allele frequency attached by ClinVar (database versions not stated): gnomAD exomes below 0.00001; gnomAD 0.00001.
gnomAD v4.1: 7 of 1,610,966 alleles (0.00043%); highest among the groups gnomAD compares: African/African-American, 0.004%; no homozygotes.

Submissions (5):

Labcorp Genetics (formerly Invitae), Labcorp
Classification: Uncertain significance for Peutz-Jeghers syndrome. Last evaluated: 2024-12-26. Review status: criteria provided, single submitter. Criteria: Invitae Variant Classification Sherloc (09022015). Collection method: clinical testing. Allele origin: germline.
Comment: This sequence change replaces glutamic acid, which is acidic and polar, with lysine, which is basic and polar, at codon 374 of the STK11 protein (p.Glu374Lys). This variant is present in population databases (no rsID available, gnomAD 0.006%). This variant has not been reported in the literature in individuals affected with STK11-related conditions. ClinVar contains an entry for this variant (Variation ID: 428789). Invitae Evidence Modeling of protein sequence and biophysical properties (such as structural, functional, and spatial information, amino acid conservation, physicochemical variation, residue mobility, and thermodynamic stability) indicates that this missense variant is not expected to disrupt STK11 protein function with a negative predictive value of 95%. In summary, the available evidence is currently insufficient to determine the role of this variant in disease. Therefore, it has been classified as a Variant of Uncertain Significance.

Color Diagnostics, LLC DBA Color Health
Classification: Uncertain significance for Hereditary cancer-predisposing syndrome. Last evaluated: 2024-07-26. Review status: criteria provided, single submitter. Criteria: ACMG Guidelines, 2015. Collection method: clinical testing. Allele origin: germline.
Comment: This missense variant replaces glutamic acid with lysine at codon 374 of the STK11 protein. Computational prediction suggests that this variant may not impact protein structure and function (internally defined REVEL score threshold <= 0.5, PMID: 27666373). To our knowledge, functional studies have not been reported for this variant. This variant has not been reported in individuals affected with STK11-related disorders in the literature. This variant has been identified in 1/241280 chromosomes in the general population by the Genome Aggregation Database (gnomAD). The available evidence is insufficient to determine the role of this variant in disease conclusively. Therefore, this variant is classified as a Variant of Uncertain Significance.

Ambry Genetics
Classification: Uncertain significance for Hereditary cancer-predisposing syndrome. Last evaluated: 2024-02-21. Review status: criteria provided, single submitter. Criteria: Ambry Variant Classification Scheme 2023. Collection method: clinical testing. Allele origin: germline.
Comment: The p.E374K variant (also known as c.1120G>A), located in coding exon 9 of the STK11 gene, results from a G to A substitution at nucleotide position 1120. The glutamic acid at codon 374 is replaced by lysine, an amino acid with similar properties. This amino acid position is not well conserved in available vertebrate species. In addition, this alteration is predicted to be tolerated by in silico analysis. Based on the available evidence, the clinical significance of this alteration remains unclear.

All of Us Research Program, National Institutes of Health
Classification: Uncertain significance for Peutz-Jeghers syndrome. Last evaluated: 2023-05-15. Review status: criteria provided, single submitter. Criteria: ACMG Guidelines, 2015. Collection method: clinical testing. Allele origin: germline. Inheritance: Autosomal dominant inheritance. Observed: 1 variant allele, 1 heterozygote.
Comment: This missense variant replaces glutamic acid with lysine at codon 374 of the STK11 protein. Computational prediction suggests that this variant may not impact protein structure and function (internally defined REVEL score threshold <= 0.5, PMID: 27666373). To our knowledge, functional studies have not been reported for this variant. This variant has not been reported in individuals affected with STK11-related disorders in the literature. This variant has been identified in 1/241280 chromosomes in the general population by the Genome Aggregation Database (gnomAD). The available evidence is insufficient to determine the role of this variant in disease conclusively. Therefore, this variant is classified as a Variant of Uncertain Significance.

This study involves interpretation of variants in research participants for the purpose of population health screening. Participant phenotype was not available at the time of variant classification. Additional details can be found in publication PMID: 35346344, PMCID: PMC8962531

Genome-Nilou Lab
Classification: Uncertain significance for Peutz-Jeghers syndrome. Last evaluated: 2021-07-15. Review status: criteria provided, single submitter. Criteria: ACMG Guidelines, 2015. Collection method: clinical testing. Allele origin: germline. Affected: no.